The following is an entry in ClinVar:

ClinVar aggregate classification (germline): Uncertain significance (1 of 4 stars; one submission).

Conditions:
Aicardi-Goutieres syndrome 6 (AGS6). Identifiers: Orphanet 51, MedGen C3539013, MONDO:0014007, OMIM 615010.

Submission:

Baylor Genetics
Classification: Uncertain significance for Aicardi-Goutieres syndrome 6. Last evaluated: 2018-10-31. Review status: criteria provided, single submitter. Criteria: ACMG Guidelines, 2015. Collection method: clinical testing. Allele origin: paternal. Affected: yes.
Comment: This variant was determined to be of uncertain significance according to ACMG Guidelines, 2015 [PMID:25741868].

NM_001111.5(ADAR):c.2560A>T (p.Thr854Ser)

Genes: ADAR (adenosine deaminase RNA specific; minus strand), LOC126805874 (CDK7 strongly-dependent group 2 enhancer GRCh37_chr1:154561176-154562375; plus strand). Cytogenetic location: 1q21.3.
Variant type: single nucleotide variant.
Coding change: c.2560A>T on transcript NM_001111.5 (MANE Select); coding-DNA position 2560, A replaced by T.
Protein change: p.Thr854Ser; replaces threonine 854 with serine.
Molecular consequence: missense variant.
Genome position (GRCh38, 1-based): chr1:154,589,865, T>A on the plus strand (A>T on the coding strand, the complement: ADAR is on the minus strand). VCF-style: chr1-154589865-T-A. GRCh37 (hg19) VCF-style: chr1-154562341-T-A.
Other names: c.1675A>T, p.Thr559Ser (NM_001025107.3, NM_001193495.2, NM_001365046.1 and 2 more transcripts); c.2587A>T, p.Thr863Ser (NM_001365045.1); c.1597A>T, p.Thr533Ser (NM_001365049.1); c.2482A>T, p.Thr828Ser (NM_015840.4); c.2425A>T, p.Thr809Ser (NM_015841.4); short protein forms T863S, T828S, T559S, T809S, T854S, T533S.
Identifiers: ClinVar variation 1032628 (VCV001032628.1), dbSNP rs1697011861, ClinGen allele CA342636973.